The following is an entry in ClinVar:

NM_182961.4(SYNE1):c.5895del (p.Leu1966fs)

Gene: SYNE1 (spectrin repeat containing nuclear envelope protein 1; minus strand). Cytogenetic location: 6q25.2.
Variant type: Deletion.
Coding change: c.5895del on transcript NM_182961.4 (MANE Select); coding-DNA position 5895, one base deleted (T; older notation c.5895delT).
Protein change: p.Leu1966fs; shifts the reading frame from leucine 1966.
Molecular consequence: frameshift variant.
Genome position (GRCh38, 1-based): chr6:152,416,542, A deleted on the plus strand (T on the coding strand, the reverse complement: SYNE1 is on the minus strand); the first of 2 consecutive A bases (chr6:152,416,542-152,416,543); deleting either gives the same sequence. VCF-style (leftmost placement, unchanged base first): chr6-152416541-GA-G. GRCh37 (hg19) VCF-style: chr6-152737676-GA-G.
Other names: c.5916del, p.Leu1973fs (NM_033071.5); short protein forms L1966fs, L1973fs.
Identifiers: ClinVar variation 1071645 (VCV001071645.7), dbSNP rs2098158268, ClinGen allele CA1673322204.

ClinVar aggregate classification (germline): Pathogenic (1 of 4 stars; one submission).

Conditions:
Emery-Dreifuss muscular dystrophy 4, autosomal dominant (EDMD4). Also called: EMERY-DREIFUSS MUSCULAR DYSTROPHY 4 WITH VARIABLE FEATURES. Identifiers: Orphanet 261, MedGen C2751807, MONDO:0013071, OMIM 612998.
Autosomal recessive ataxia, Beauce type. Also called: Spinocerebellar ataxia, autosomal recessive 8; ATAXIA, RECESSIVE, OF BEAUCE; SYNE1-Related Autosomal Recessive Cerebellar Ataxia; SYNE1 Deficiency. Identifiers: Orphanet 88644, MedGen C1853116, MONDO:0012549, OMIM 610743.

Submission:

Labcorp Genetics (formerly Invitae), Labcorp
Classification: Pathogenic for Emery-Dreifuss muscular dystrophy 4, autosomal dominant; Autosomal recessive ataxia, Beauce type. Last evaluated: 2020-08-23. Review status: criteria provided, single submitter. Criteria: Invitae Variant Classification Sherloc (09022015). Collection method: clinical testing. Allele origin: germline.
Comment: This sequence change creates a premature translational stop signal (p.Leu1973Trpfs*14) in the SYNE1 gene. It is expected to result in an absent or disrupted protein product. This variant is not present in population databases (ExAC no frequency). This variant has not been reported in the literature in individuals with SYNE1-related conditions. Loss-of-function variants in SYNE1 are known to be pathogenic (PMID: 19542096, 24319099, 27086870). For these reasons, this variant has been classified as Pathogenic.

Literature cited by the submitters: PubMed 19542096; PubMed 24319099; PubMed 27086870.